The following is an entry in ClinVar:

ClinVar aggregate classification (germline): Uncertain significance. Review status: criteria provided, multiple submitters, no conflicts (2 of 4 stars). 3 submissions from 3 submitters: Uncertain significance (3). Last evaluated 2025-11-24.

Conditions:
Brugada syndrome. Also called: Sudden unexpected nocturnal death syndrome; Sudden Unexplained Death Syndrome; Sudden Unexplained Nocturnal Death Syndrome (SUNDS); Sudden unexplained nocturnal death syndrome. Identifiers: Orphanet 130, MedGen C1142166, MONDO:0015263.
Cardiovascular phenotype. Identifiers: MedGen CN230736.

Submissions (3):

Ambry Genetics
Classification: Uncertain significance for Cardiovascular phenotype. Last evaluated: 2025-11-24. Review status: criteria provided, single submitter. Criteria: Ambry Variant Classification Scheme 2023. Collection method: clinical testing. Allele origin: germline.
Comment: The c.4100_4101delAA variant, located in coding exon 23 of the SCN10A gene, results from a deletion of two nucleotides at nucleotide positions 4100 to 4101, causing a translational frameshift with a predicted alternate stop codon (p.K1367Rfs*11). The evidence for this gene-disease relationship is limited; therefore, the clinical significance of this alteration is unclear.

GeneDx
Classification: Uncertain significance. Last evaluated: 2024-12-03. Review status: criteria provided, single submitter. Criteria: GeneDx Variant Classification Process June 2021. Collection method: clinical testing. Allele origin: germline. Affected: yes.
Comment: Has not been previously published as pathogenic or benign to our knowledge; Not observed at significant frequency in large population cohorts (gnomAD); Frameshift variant predicted to result in protein truncation or nonsense mediated decay in a gene or region of a gene for which loss of function is not a well-established mechanism of disease

Labcorp Genetics (formerly Invitae), Labcorp
Classification: Uncertain significance for Brugada syndrome. Last evaluated: 2024-04-25. Review status: criteria provided, single submitter. Criteria: Invitae Variant Classification Sherloc (09022015). Collection method: clinical testing. Allele origin: germline.
Comment: This sequence change creates a premature translational stop signal (p.Lys1367Argfs*11) in the SCN10A gene. It is expected to result in an absent or disrupted protein product. However, the current clinical and genetic evidence is not sufficient to establish whether loss-of-function variants in SCN10A cause disease. This variant is present in population databases (no rsID available, gnomAD 0.005%). This variant has not been reported in the literature in individuals affected with SCN10A-related conditions. ClinVar contains an entry for this variant (Variation ID: 1053002). In summary, the available evidence is currently insufficient to determine the role of this variant in disease. Therefore, it has been classified as a Variant of Uncertain Significance.

NM_006514.4(SCN10A):c.4100_4101del (p.Lys1367fs)

Gene: SCN10A (sodium voltage-gated channel alpha subunit 10; minus strand). Cytogenetic location: 3p22.2.
Variant type: Deletion.
Coding change: c.4100_4101del on transcript NM_006514.4 (MANE Select); coding-DNA positions 4100 to 4101, 2 bases deleted (AA; older notation c.4100_4101delAA).
Protein change: p.Lys1367fs; shifts the reading frame from lysine 1367.
Molecular consequence: frameshift variant.
Genome position (GRCh38, 1-based): chr3:38,710,886-38,710,887, TT deleted on the plus strand (AA on the coding strand, the reverse complement: SCN10A is on the minus strand); deleting any 2 consecutive bases within chr3:38,710,886-38,710,888 gives the same sequence; the c. name uses the placement nearest the transcript's 3' end. VCF-style (leftmost placement, unchanged base first): chr3-38710885-CTT-C. GRCh37 (hg19) VCF-style: chr3-38752376-CTT-C.
Other names: c.4100_4101del (NM_006514.2); c.4097_4098del, p.Lys1366fs (NM_001293306.2); c.3806_3807del, p.Lys1269fs (NM_001293307.2); c.4100_4101delAA (NM_006514.2); short protein forms K1269fs, K1366fs, K1367fs.
Identifiers: ClinVar variation 1053002 (VCV001053002.9), dbSNP rs1369457221, ClinGen allele CA542276456.